The following is an entry in ClinVar:

ClinVar aggregate classification (germline): Uncertain significance (1 of 4 stars; one submission).

Conditions:
Hereditary cancer-predisposing syndrome. Also called: Hereditary Cancer Syndrome; Hereditary neoplastic syndrome; Neoplastic Syndromes, Hereditary; Tumor predisposition. Identifiers: Orphanet 140162, MedGen C0027672, MeSH D009386, MONDO:0015356.

gnomAD v4.1: 2 of 1,614,200 alleles (0.00012%); highest among the groups gnomAD compares: Admixed American, 0.0017%; no homozygotes.

Submission:

Ambry Genetics
Classification: Uncertain significance for Hereditary cancer-predisposing syndrome. Last evaluated: 2023-11-23. Review status: criteria provided, single submitter. Criteria: Ambry Variant Classification Scheme 2023. Collection method: clinical testing. Allele origin: germline.
Comment: The p.N661D variant (also known as c.1981A>G), located in coding exon 11 of the ALK gene, results from an A to G substitution at nucleotide position 1981. The asparagine at codon 661 is replaced by aspartic acid, an amino acid with highly similar properties. This amino acid position is conserved. In addition, this alteration is predicted to be tolerated by in silico analysis. Since supporting evidence is limited at this time, the clinical significance of this alteration remains unclear.

NM_004304.5(ALK):c.1981A>G (p.Asn661Asp)

Gene: ALK (ALK receptor tyrosine kinase; minus strand). Cytogenetic location: 2p23.2.
Variant type: single nucleotide variant.
Coding change: c.1981A>G on transcript NM_004304.5 (MANE Select); coding-DNA position 1981, A replaced by G.
Protein change: p.Asn661Asp; replaces asparagine 661 with aspartic acid.
Molecular consequence: missense variant.
Genome position (GRCh38, 1-based): chr2:29,275,159, T>C on the plus strand (A>G on the coding strand, the complement: ALK is on the minus strand). VCF-style: chr2-29275159-T-C. GRCh37 (hg19) VCF-style: chr2-29498025-T-C.
Other names: short protein forms N661D.
Identifiers: ClinVar variation 2312008 (VCV002312008.2), dbSNP rs1308274244, ClinGen allele CA346479688.